The following is an entry in ClinVar:

ClinVar aggregate classification (germline): Uncertain significance. Review status: criteria provided, multiple submitters, no conflicts (2 of 4 stars). 3 submissions from 3 submitters: Uncertain significance (2). 1 of the submissions does not count toward it. Last evaluated 2025-07-07.

Conditions:
Ehlers-Danlos syndrome, dermatosparaxis type. Also called: Dermatosparaxis; Ehlers-Danlos syndrome, type VII, autosomal recessive; EDS VIIC. Identifiers: Orphanet 1901, MedGen C2700425, MONDO:0009161, OMIM 225410.

Allele frequency attached by ClinVar (database versions not stated): gnomAD 0.00003; TOPMed 0.00003.
gnomAD v4.1: 9 of 1,141,920 alleles (0.00079%); highest among the groups gnomAD compares: African/African-American, 0.005%; no homozygotes.

Submissions (3):

Labcorp Genetics (formerly Invitae), Labcorp
Classification: Uncertain significance for Ehlers-Danlos syndrome, dermatosparaxis type. Last evaluated: 2025-07-07. Review status: criteria provided, single submitter. Criteria: Invitae Variant Classification Sherloc (09022015). Collection method: clinical testing. Allele origin: germline.
Comment: This sequence change replaces proline, which is neutral and non-polar, with serine, which is neutral and polar, at codon 14 of the ADAMTS2 protein (p.Pro14Ser). This variant is present in population databases (no rsID available, gnomAD 0.01%). This variant has not been reported in the literature in individuals affected with ADAMTS2-related conditions. ClinVar contains an entry for this variant (Variation ID: 956047). Experimental studies and prediction algorithms are not available or were not evaluated, and the functional significance of this variant is currently unknown. In summary, the available evidence is currently insufficient to determine the role of this variant in disease. Therefore, it has been classified as a Variant of Uncertain Significance.

Mayo Clinic Laboratories, Mayo Clinic
Classification: Uncertain significance. Last evaluated: 2024-09-09. Review status: criteria provided, single submitter. Criteria: ACMG Guidelines, 2015. Collection method: clinical testing. Allele origin: germline. Observed: 1 variant allele.
Comment: BP4, PM2

Natera, Inc.
Classification: Uncertain significance for Ehlers-Danlos syndrome type VIIC. Last evaluated: 2020-11-17. Review status: no assertion criteria provided. Collection method: clinical testing. Allele origin: germline. Not counted in ClinVar's aggregate classification.

NM_014244.5(ADAMTS2):c.40C>T (p.Pro14Ser)

Gene: ADAMTS2 (ADAM metallopeptidase with thrombospondin type 1 motif 2; minus strand). Cytogenetic location: 5q35.3.
Variant type: single nucleotide variant.
Coding change: c.40C>T on transcript NM_014244.5 (MANE Select); coding-DNA position 40, C replaced by T.
Protein change: p.Pro14Ser; replaces proline 14 with serine.
Molecular consequence: missense variant.
Genome position (GRCh38, 1-based): chr5:179,345,289, G>A on the plus strand (C>T on the coding strand, the complement: ADAMTS2 is on the minus strand). VCF-style: chr5-179345289-G-A. GRCh37 (hg19) VCF-style: chr5-178772290-G-A.
Other names: p.Pro14Ser; c.40C>T, p.Pro14Ser (NM_021599.4); short protein forms P14S.
Identifiers: ClinVar variation 956047 (VCV000956047.9), dbSNP rs918053466, ClinGen allele CA133086998.